The following is an entry in ClinVar:

ClinVar aggregate classification (germline): Uncertain significance (1 of 4 stars; one submission).

Allele frequency attached by ClinVar (database versions not stated): TOPMed below 0.00001; gnomAD 0.00001.
gnomAD v4.1: 3 of 1,156,984 alleles (0.00026%); highest among the groups gnomAD compares: East Asian, 0.008%; no homozygotes.

Submission:

Labcorp Genetics (formerly Invitae), Labcorp
Classification: Uncertain significance. Last evaluated: 2025-06-22. Review status: criteria provided, single submitter. Criteria: Invitae Variant Classification Sherloc (09022015). Collection method: clinical testing. Allele origin: germline.
Comment: This sequence change replaces proline, which is neutral and non-polar, with glutamine, which is neutral and polar, at codon 36 of the KMT2A protein (p.Pro36Gln). The frequency data for this variant in the population databases is considered unreliable, as metrics indicate insufficient coverage at this position in the gnomAD database. This variant has not been reported in the literature in individuals affected with KMT2A-related conditions. ClinVar contains an entry for this variant (Variation ID: 2786766). Invitae Evidence Modeling of protein sequence and biophysical properties (such as structural, functional, and spatial information, amino acid conservation, physicochemical variation, residue mobility, and thermodynamic stability) has been performed for this missense variant. However, the output from this modeling did not meet the statistical confidence thresholds required to predict the impact of this variant on KMT2A protein function. In summary, the available evidence is currently insufficient to determine the role of this variant in disease. Therefore, it has been classified as a Variant of Uncertain Significance.

NM_001197104.2(KMT2A):c.107C>A (p.Pro36Gln)

Gene: KMT2A (lysine methyltransferase 2A; plus strand). Cytogenetic location: 11q23.3.
Variant type: single nucleotide variant.
Coding change: c.107C>A on transcript NM_001197104.2 (MANE Select); coding-DNA position 107, C replaced by A.
Protein change: p.Pro36Gln; replaces proline 36 with glutamine.
Molecular consequence: missense variant.
Genome position (GRCh38, 1-based): chr11:118,436,619, C>A. VCF-style: chr11-118436619-C-A. GRCh37 (hg19) VCF-style: chr11-118307334-C-A.
Other names: c.107C>A, p.Pro36Gln (NM_001412597.1, NM_005933.4); short protein forms P36Q.
Identifiers: ClinVar variation 2786766 (VCV002786766.3), dbSNP rs1221856539, ClinGen allele CA382797237.